The following is an entry in ClinVar:

ClinVar aggregate classification (germline): Uncertain significance. Review status: criteria provided, multiple submitters, no conflicts (2 of 4 stars). 2 submissions from 2 submitters: Uncertain significance (2). Last evaluated 2026-06-22.

Conditions:
DROSHA-related disorder. Also called: DROSHA-related condition.

Allele frequency attached by ClinVar (database versions not stated): ESP Exome Variant Server 0.00008; gnomAD 0.00011.

Submissions (2):

PreventionGenetics, part of Exact Sciences
Classification: Uncertain significance for DROSHA-related condition. Last evaluated: 2026-06-22. Review status: criteria provided, single submitter. Criteria: ACMG Guidelines, 2015. Collection method: clinical testing. Allele origin: germline.
Comment: The DROSHA c.478A>G variant is predicted to result in the amino acid substitution p.Met160Val. To our knowledge, this variant has not been reported in the literature. This variant is reported in 0.047% of alleles in individuals of African descent in gnomAD. At this time, the clinical significance of this variant is uncertain due to the absence of conclusive functional and genetic evidence.

Ambry Genetics
Classification: Uncertain significance. Last evaluated: 2025-02-13. Review status: criteria provided, single submitter. Criteria: Ambry Variant Classification Scheme 2023. Collection method: clinical testing. Allele origin: germline.

NM_001382508.1(DROSHA):c.478A>G (p.Met160Val)

Gene: DROSHA (drosha ribonuclease III; minus strand). Cytogenetic location: 5p13.3.
Variant type: single nucleotide variant.
Coding change: c.478A>G on transcript NM_001382508.1 (MANE Select); coding-DNA position 478, A replaced by G.
Protein change: p.Met160Val; replaces methionine 160 with valine.
Molecular consequence: missense variant.
Genome position (GRCh38, 1-based): chr5:31,526,455, T>C on the plus strand (A>G on the coding strand, the complement: DROSHA is on the minus strand). VCF-style: chr5-31526455-T-C. GRCh37 (hg19) VCF-style: chr5-31526562-T-C.
Other names: c.478A>G, p.Met160Val (NM_001100412.2, NM_013235.5); short protein forms M160V.
Identifiers: ClinVar variation 2278227 (VCV002278227.6), dbSNP rs370727446, ClinGen allele CA3217950.